The following is an entry in ClinVar:

NM_015404.4(WHRN):c.234G>A (p.Leu78=)

Gene: WHRN (whirlin; minus strand). Cytogenetic location: 9q32.
Variant type: single nucleotide variant.
Coding change: c.234G>A on transcript NM_015404.4 (MANE Select); coding-DNA position 234, G replaced by A.
Protein change: p.Leu78=; no amino-acid change (leucine 78 retained).
Molecular consequence: synonymous variant.
Genome position (GRCh38, 1-based): chr9:114,504,568, C>T on the plus strand (G>A on the coding strand, the complement: WHRN is on the minus strand). VCF-style: chr9-114504568-C-T. GRCh37 (hg19) VCF-style: chr9-117266848-C-T.
Other names: c.234G>A, p.Leu78= (NM_001173425.2).
Identifiers: ClinVar variation 227293 (VCV000227293.20), dbSNP rs148785227, ClinGen allele CA5206336.

ClinVar aggregate classification (germline): Benign/Likely benign. Review status: criteria provided, multiple submitters, no conflicts (2 of 4 stars). 5 submissions from 5 submitters: Benign (2); Likely benign (3). Last evaluated 2026-09-09.

Conditions:
WHRN-related disorder. Also called: WHRN-related condition.

Allele frequency attached by ClinVar (database versions not stated): gnomAD exomes 0.00008 and 0.00020; 1000 Genomes Project 30x 0.00016; 1000 Genomes Project 0.00020; gnomAD 0.00090 and 0.00099; TOPMed 0.00090; ESP Exome Variant Server 0.00154.
gnomAD v4.1: 254 of 1,611,536 alleles (0.016%); highest among the groups gnomAD compares: African/African-American, 0.32%; 2 homozygotes.

Submissions (5):

PreventionGenetics, part of Exact Sciences
Classification: Likely benign for WHRN-related condition. Last evaluated: 2026-09-09. Review status: criteria provided, single submitter. Criteria: ACMG Guidelines, 2015. Collection method: clinical testing. Allele origin: germline.
Comment: This variant is classified as likely benign based on ACMG/AMP sequence variant interpretation guidelines (Richards et al. 2015 PMID: 25741868, with internal and published modifications).

Labcorp Genetics (formerly Invitae), Labcorp
Classification: Benign. Last evaluated: 2026-02-02. Review status: criteria provided, single submitter. Criteria: Invitae Variant Classification Sherloc (09022015). Collection method: clinical testing. Allele origin: germline.

Blueprint Genetics
Classification: Likely benign. Last evaluated: 2024-04-16. Review status: criteria provided, single submitter. Criteria: ACMG Guidelines, 2015. Collection method: clinical testing. Allele origin: germline.

GeneDx
Classification: Likely benign. Last evaluated: 2020-10-07. Review status: criteria provided, single submitter. Criteria: GeneDx Variant Classification Process June 2021. Collection method: clinical testing. Allele origin: germline. Affected: yes.

Laboratory for Molecular Medicine, Mass General Brigham Personalized Medicine
Classification: Benign. Last evaluated: 2017-06-22. Review status: criteria provided, single submitter. Criteria: LMM Criteria. Collection method: clinical testing. Allele origin: germline. Observed: 3 variant alleles.
Comment: p.Leu78Leu in exon 1 of DFNB31: This variant is not expected to have clinical si gnificance because it does not alter an amino acid residue and is not located wi thin the splice consensus sequence. It has been identified in 0.3% (70/23584) of African chromosomes by the Genome Aggregation Database (gnomAD; dbSNP rs148785227).